The following is an entry in ClinVar:

NM_001190274.2(FBXO11):c.1774G>T (p.Gly592Cys)

Gene: FBXO11 (F-box protein 11; minus strand). Cytogenetic location: 2p16.3.
Variant type: single nucleotide variant.
Coding change: c.1774G>T on transcript NM_001190274.2 (MANE Select); coding-DNA position 1774, G replaced by T.
Protein change: p.Gly592Cys; replaces glycine 592 with cysteine.
Molecular consequence: missense variant.
Genome position (GRCh38, 1-based): chr2:47,820,385, C>A on the plus strand (G>T on the coding strand, the complement: FBXO11 is on the minus strand). VCF-style: chr2-47820385-C-A. GRCh37 (hg19) VCF-style: chr2-48047524-C-A.
Other names: c.1522G>T, p.Gly508Cys (NM_001374325.1, NM_025133.4); short protein forms G508C, G592C.
Identifiers: ClinVar variation 3382802 (VCV003382802.2).

ClinVar aggregate classification (germline): Uncertain significance (1 of 4 stars; one submission).

Conditions:
Intellectual developmental disorder with dysmorphic facies and behavioral abnormalities. Identifiers: MedGen C4748135, MONDO:0060760, OMIM 618089.

Submission:

Juno Genomics, Hangzhou Juno Genomics, Inc
Classification: Uncertain significance for Intellectual developmental disorder with dysmorphic facies and behavioral abnormalities. Review status: criteria provided, single submitter. Criteria: ACMG Guidelines, 2015. Collection method: clinical testing. Allele origin: germline. Affected: yes.
Comment: Absent from controls (or at extremely low frequency if recessive) in Genome Aggregation Database, Exome Sequencing Project, 1000 Genomes Project, or Exome Aggregation Consortium.;De novo (both maternity and paternity confirmed) in a patient with the disease and no family history.;Multiple lines of computational evidence support a deleterious effect on the gene or gene product (conservation, evolutionary, splicing impact, etc).;Missense variant in a gene that has a low rate of benign missense variation and where missense variants are a common mechanism of disease.